The following is an entry in ClinVar:

ClinVar aggregate classification (germline): Benign/Likely benign. Review status: criteria provided, multiple submitters, no conflicts (2 of 4 stars). 5 submissions from 5 submitters: Benign (2); Likely benign (3). Last evaluated 2025-12-08.

Conditions:
Dilated cardiomyopathy 1O (CMD1O). Also called: CARDIOMYOPATHY, DILATED, WITH VENTRICULAR TACHYCARDIA. Identifiers: Orphanet 154, MedGen C1837839, MONDO:0012062, OMIM 608569.

Allele frequency attached by ClinVar (database versions not stated): ExAC 0.00004; gnomAD exomes 0.00005; gnomAD 0.00017 and 0.00018; 1000 Genomes Project 0.00020; ESP Exome Variant Server 0.00008; 1000 Genomes Project 30x 0.00016; TOPMed 0.00016.
gnomAD v4.1: 88 of 1,607,986 alleles (0.0055%); highest among the groups gnomAD compares: African/African-American, 0.056%; no homozygotes.

Submissions (5):

Labcorp Genetics (formerly Invitae), Labcorp
Classification: Likely benign for Dilated cardiomyopathy 1O. Last evaluated: 2025-12-08. Review status: criteria provided, single submitter. Criteria: Invitae Variant Classification Sherloc (09022015). Collection method: clinical testing. Allele origin: germline.

Women's Health and Genetics/Laboratory Corporation of America, LabCorp
Classification: Benign. Last evaluated: 2024-12-13. Review status: criteria provided, single submitter. Criteria: LabCorp Variant Classification Summary - May 2015. Collection method: clinical testing. Allele origin: germline.

Blueprint Genetics
Classification: Likely benign. Last evaluated: 2024-11-13. Review status: criteria provided, single submitter. Criteria: ACMG Guidelines, 2015. Collection method: clinical testing. Allele origin: germline.

Laboratory for Molecular Medicine, Mass General Brigham Personalized Medicine
Classification: Likely benign. Last evaluated: 2016-05-06. Review status: criteria provided, single submitter. Criteria: LMM Criteria. Collection method: clinical testing. Allele origin: germline. Observed: 2 variant alleles.
Comment: c.3096+13C>T in intron 24 of ABCC9: This variant is not expected to have clinica l significance because it is not located within the splice consensus sequence. I t has been identified in 3/9366 African chromosomes by the Exome Aggregation Con sortium (ExAC; dbSNP rs370712530).

GeneDx
Classification: Benign. Last evaluated: 2015-03-20. Review status: criteria provided, single submitter. Criteria: GeneDx Variant Classification (06012015). Collection method: clinical testing. Allele origin: germline. Affected: yes.
Comment: This variant is considered likely benign or benign based on one or more of the following criteria: it is a conservative change, it occurs at a poorly conserved position in the protein, it is predicted to be benign by multiple in silico algorithms, and/or has population frequency not consistent with disease.

NM_020297.4(ABCC9):c.3096+13C>T

Gene: ABCC9 (ATP binding cassette subfamily C member 9; minus strand). Cytogenetic location: 12p12.1.
Variant type: single nucleotide variant.
Coding change: c.3096+13C>T on transcript NM_020297.4 (MANE Select); 13 bases into the intron after coding-DNA position 3096, C replaced by T.
Molecular consequence: intron variant.
Genome position (GRCh38, 1-based): chr12:21,845,590, G>A on the plus strand (C>T on the coding strand, the complement: ABCC9 is on the minus strand). VCF-style: chr12-21845590-G-A. GRCh37 (hg19) VCF-style: chr12-21998524-G-A.
Other names: c.2229+13C>T (NM_001377274.1); c.3096+13C>T (NM_005691.4, NM_001377273.1).
Identifiers: ClinVar variation 45408 (VCV000045408.14), dbSNP rs370712530, ClinGen allele CA136273.